The following is an entry in ClinVar:

NM_000038.6(APC):c.7472T>A (p.Met2491Lys)

Gene: APC (APC regulator of Wnt signaling pathway; plus strand). Cytogenetic location: 5q22.2.
Variant type: single nucleotide variant.
Coding change: c.7472T>A on transcript NM_000038.6 (MANE Select); coding-DNA position 7472, T replaced by A.
Protein change: p.Met2491Lys; replaces methionine 2491 with lysine.
Molecular consequence: missense variant.
Genome position (GRCh38, 1-based): chr5:112,843,066, T>A. VCF-style: chr5-112843066-T-A. GRCh37 (hg19) VCF-style: chr5-112178763-T-A.
Other names: c.7472T>A, p.Met2491Lys (NM_001127510.3, NM_001354895.2); c.7418T>A, p.Met2473Lys (NM_001127511.3); c.7526T>A, p.Met2509Lys (NM_001354896.2); c.7502T>A, p.Met2501Lys (NM_001354897.2); c.7397T>A, p.Met2466Lys (NM_001354898.2); c.7388T>A, p.Met2463Lys (NM_001354899.2); c.7349T>A, p.Met2450Lys (NM_001354900.2); c.7295T>A, p.Met2432Lys (NM_001354901.2); and 5 more; short protein forms M2473K, M2491K, M2365K, M2450K, M2208K, M2400K, M2466K, M2390K.
Identifiers: ClinVar variation 489495 (VCV000489495.18), dbSNP rs369075403, ClinGen allele CA16037585.
Genomic context (GRCh38, chr5:112,843,066, plus strand): 5'-CAGCTTCTCCCACTAGGTCCCAGGCACAAACTCCAGTTTTAAGTCCTTCCCTTCCTGATA[T>A]GTCTCTATCCACACATTCGTCTGTTCAGGCTGGTGGATGGCGAAAACTCCCACCTAATCT-3'
Protein context (NP_000029.2, residues 2481-2501): TPVLSPSLPD[Met2491Lys]SLSTHSSVQA

ClinVar aggregate classification (germline): Uncertain significance. Review status: criteria provided, multiple submitters, no conflicts (2 of 4 stars). 3 submissions from 3 submitters: Uncertain significance (3). Last evaluated 2024-03-06.

Conditions:
Familial adenomatous polyposis 1 (FAP1). Also called: POLYPOSIS, ADENOMATOUS INTESTINAL; FAMILIAL ADENOMATOUS POLYPOSIS 1, ATTENUATED. Identifiers: MedGen C2713442, MONDO:0021056, OMIM 175100. Disease mechanism: loss of function.
Hereditary cancer-predisposing syndrome. Also called: Hereditary Cancer Syndrome; Neoplastic Syndromes, Hereditary; Tumor predisposition; Hereditary neoplastic syndrome. Identifiers: Orphanet 140162, MedGen C0027672, MeSH D009386, MONDO:0015356.

Submissions (3):

Color Diagnostics, LLC DBA Color Health
Classification: Uncertain significance for Hereditary cancer-predisposing syndrome. Last evaluated: 2024-03-06. Review status: criteria provided, single submitter. Criteria: ACMG Guidelines, 2015. Collection method: clinical testing. Allele origin: germline.
Comment: This missense variant replaces methionine with lysine at codon 2491 of the APC protein. Computational prediction is inconclusive regarding the impact of this variant on protein structure and function (internally defined REVEL score threshold 0.5 < inconclusive < 0.7, PMID: 27666373). To our knowledge, functional studies have not been reported for this variant. This variant has not been reported in individuals affected with hereditary cancer in the literature. This variant has not been identified in the general population by the Genome Aggregation Database (gnomAD). The available evidence is insufficient to determine the role of this variant in disease conclusively. Therefore, this variant is classified as a Variant of Uncertain Significance.

Ambry Genetics
Classification: Uncertain significance for Hereditary cancer-predisposing syndrome. Last evaluated: 2023-08-27. Review status: criteria provided, single submitter. Criteria: Ambry Variant Classification Scheme 2023. Collection method: clinical testing. Allele origin: germline.
Comment: The p.M2491K variant (also known as c.7472T>A), located in coding exon 15 of the APC gene, results from a T to A substitution at nucleotide position 7472. The methionine at codon 2491 is replaced by lysine, an amino acid with similar properties. This amino acid position is highly conserved in available vertebrate species. In addition, in silico predictors for this gene do not accurately predict pathogenicity. Since supporting evidence is limited at this time, the clinical significance of this alteration remains unclear.

Labcorp Genetics (formerly Invitae), Labcorp
Classification: Uncertain significance for Familial adenomatous polyposis 1. Last evaluated: 2018-11-17. Review status: criteria provided, single submitter. Criteria: Invitae Variant Classification Sherloc (09022015). Collection method: clinical testing. Allele origin: germline.
Comment: Algorithms developed to predict the effect of missense changes on protein structure and function are either unavailable or do not agree on the potential impact of this missense change (SIFT: "Deleterious"; PolyPhen-2: "Benign"; Align-GVGD: "Class C0"). Algorithms developed to predict the effect of sequence changes on RNA splicing suggest that this variant may create or strengthen a splice site, but this prediction has not been confirmed by published transcriptional studies. In summary, the available evidence is currently insufficient to determine the role of this variant in disease. Therefore, it has been classified as a Variant of Uncertain Significance. This variant has not been reported in the literature in individuals with APC-related disease. ClinVar contains an entry for this variant (Variation ID: 489495). This variant is not present in population databases (ExAC no frequency). This sequence change replaces methionine with lysine at codon 2491 of the APC protein (p.Met2491Lys). The methionine residue is highly conserved and there is a moderate physicochemical difference between methionine and lysine.